The following is an entry in ClinVar:

NM_024649.5(BBS1):c.592-21A>T

Gene: BBS1 (Bardet-Biedl syndrome 1; plus strand). Cytogenetic location: 11q13.2.
Variant type: single nucleotide variant.
Coding change: c.592-21A>T on transcript NM_024649.5 (MANE Select); 21 bases into the intron before coding-DNA position 592, A replaced by T.
Molecular consequence: intron variant.
Genome position (GRCh38, 1-based): chr11:66,519,596, A>T. VCF-style: chr11-66519596-A-T. GRCh37 (hg19) VCF-style: chr11-66287067-A-T.
Identifiers: ClinVar variation 1297133 (VCV001297133.2), dbSNP rs754794374, ClinGen allele CA6123424.

ClinVar aggregate classification (germline): Uncertain significance (1 of 4 stars; one submission).

Conditions:
Retinitis pigmentosa (RP). Identifiers: Orphanet 791, MedGen C0035334, MeSH D012174, MONDO:0019200, OMIM 268000. Inheritance: Autosomal dominant, autosomal recessive and X linked inheritance.

Allele frequency attached by ClinVar (database versions not stated): TOPMed below 0.00001; ExAC 0.00001; gnomAD 0.00001; gnomAD exomes 0.00001.
gnomAD v4.1: 10 of 1,612,666 alleles (0.00062%); highest among the groups gnomAD compares: Non-Finnish European, 0.00076%; no homozygotes.

Submission:

Broad Center for Mendelian Genomics, Broad Institute of MIT and Harvard
Classification: Uncertain significance for Retinitis pigmentosa. Last evaluated: 2021-04-01. Review status: criteria provided, single submitter. Criteria: ACMG Guidelines, 2015. Collection method: curation. Allele origin: germline. Inheritance: Autosomal recessive inheritance. Affected: yes.
Comment: Through a review of available evidence we were able to apply the following criteria: PM2. Based on this evidence we have classified this variant as a Variant of Uncertain Significance. If you have any questions about the classification please reach out to the Pierce Lab.

Literature cited by the submitters: PubMed 34906470.